The following is an entry in ClinVar:

NM_002691.4(POLD1):c.3316G>A (p.Ala1106Thr)

Gene: POLD1 (DNA polymerase delta 1, catalytic subunit; plus strand). Cytogenetic location: 19q13.33.
Variant type: single nucleotide variant.
Coding change: c.3316G>A on transcript NM_002691.4 (MANE Select); coding-DNA position 3316, G replaced by A.
Protein change: p.Ala1106Thr; replaces alanine 1106 with threonine.
Molecular consequence: missense variant. On other transcripts: non-coding transcript variant (1).
Genome position (GRCh38, 1-based): chr19:50,417,939, G>A. VCF-style: chr19-50417939-G-A. GRCh37 (hg19) VCF-style: chr19-50921196-G-A.
Other names: c.3316G>A, p.Ala1106Thr (NM_001256849.1); c.3394G>A, p.Ala1132Thr (NM_001308632.1); short protein forms A1106T, A1132T.
Identifiers: ClinVar variation 408019 (VCV000408019.15), dbSNP rs778990190, ClinGen allele CA9596846.

ClinVar aggregate classification (germline): Conflicting classifications of pathogenicity. Review status: criteria provided, conflicting classifications (1 of 4 stars). 4 submissions from 4 submitters: Uncertain significance (3); Benign (1). Last evaluated 2026-01-31.

Conditions:
POLD1-related polyposis and colorectal cancer syndrome (CRCS10). Also called: Colorectal cancer, susceptibility to, 10; Colorectal cancer 10; COLORECTAL CANCER, SUSCEPTIBILITY TO, ON CHROMOSOME 19q. Identifiers: Orphanet 220460, MedGen C2675481, MONDO:0012953, OMIM 612591.
Hereditary cancer-predisposing syndrome. Also called: Neoplastic Syndromes, Hereditary; Hereditary neoplastic syndrome; Hereditary Cancer Syndrome; Tumor predisposition. Identifiers: Orphanet 140162, MedGen C0027672, MeSH D009386, MONDO:0015356.

Allele frequency attached by ClinVar (database versions not stated): gnomAD exomes below 0.00001; ExAC 0.00001.
gnomAD v4.1: 3 of 1,604,778 alleles (0.00019%); highest among the groups gnomAD compares: Non-Finnish European, 0.00026%; no homozygotes.

Submissions (4):

Labcorp Genetics (formerly Invitae), Labcorp
Classification: Uncertain significance for POLD1-related polyposis and colorectal cancer syndrome. Last evaluated: 2026-01-31. Review status: criteria provided, single submitter. Criteria: Invitae Variant Classification Sherloc (09022015). Collection method: clinical testing. Allele origin: germline.
Comment: This sequence change replaces alanine, which is neutral and non-polar, with threonine, which is neutral and polar, at codon 1106 of the POLD1 protein (p.Ala1106Thr). This variant is present in population databases (rs778990190, gnomAD 0.001%). This variant has not been reported in the literature in individuals affected with POLD1-related conditions. ClinVar contains an entry for this variant (Variation ID: 408019). An algorithm developed to predict the effect of missense changes on protein structure and function (PolyPhen-2) suggests that this variant is likely to be tolerated. RNA analysis performed to evaluate the impact of this missense change on mRNA splicing indicates it does not significantly alter splicing (internal data). In summary, the available evidence is currently insufficient to determine the role of this variant in disease. Therefore, it has been classified as a Variant of Uncertain Significance.

Ambry Genetics
Classification: Uncertain significance for Hereditary cancer-predisposing syndrome. Last evaluated: 2023-12-08. Review status: criteria provided, single submitter. Criteria: Ambry Variant Classification Scheme 2023. Collection method: clinical testing. Allele origin: germline.
Comment: The p.A1106T variant (also known as c.3316G>A), located in coding exon 26 of the POLD1 gene, results from a G to A substitution at nucleotide position 3316. The alanine at codon 1106 is replaced by threonine, an amino acid with similar properties. This amino acid position is conserved. In addition, this alteration is predicted to be tolerated by in silico analysis. Since supporting evidence is limited at this time, the clinical significance of this alteration remains unclear.

Mendelics
Classification: Benign. Last evaluated: 2022-05-04. Review status: criteria provided, single submitter. Criteria: Mendelics Assertion Criteria 2019. Collection method: clinical testing. Allele origin: germline.

Quest Diagnostics Nichols Institute San Juan Capistrano
Classification: Uncertain significance. Last evaluated: 2018-01-17. Review status: criteria provided, single submitter. Criteria: Quest Diagnostics criteria. Collection method: clinical testing. Allele origin: germline.